The following is an entry in ClinVar:

NM_000081.4(LYST):c.2926G>A (p.Val976Met)

Gene: LYST (lysosomal trafficking regulator; minus strand). Cytogenetic location: 1q42.3.
Variant type: single nucleotide variant.
Coding change: c.2926G>A on transcript NM_000081.4 (MANE Select); coding-DNA position 2926, G replaced by A.
Protein change: p.Val976Met; replaces valine 976 with methionine.
Molecular consequence: missense variant.
Genome position (GRCh38, 1-based): chr1:235,806,210, C>T on the plus strand (G>A on the coding strand, the complement: LYST is on the minus strand). VCF-style: chr1-235806210-C-T. GRCh37 (hg19) VCF-style: chr1-235969510-C-T.
Other names: c.2926G>A, p.Val976Met (NM_001301365.1); short protein forms V976M.
Identifiers: ClinVar variation 576631 (VCV000576631.1), dbSNP rs1672816881, ClinGen allele CA344954621.
Genomic context (GRCh38, chr1:235,806,210, plus strand): 5'-TAAATATTAACTTATGGCATACTCGGAAACCACCAAGCCTATAAAACTGTTTCTGGAACA[C>T]TGAACTCAACATGTAGATCCAACGACACATAGACCAAATGTCTGCTGCTTGGTGCATATG-3'
Protein context (NP_000072.2, residues 966-986): MCRWIYMLSS[Val976Met]FQKQFYRLGG

ClinVar aggregate classification (germline): Uncertain significance (1 of 4 stars; one submission).

Conditions:
Chédiak-Higashi syndrome (CHS). Also called: Chediak-Higashi Syndrome. Identifiers: Orphanet 167, MedGen C0007965, MONDO:0008963, OMIM 214500.

Allele frequency attached by ClinVar (database versions not stated): TOPMed below 0.00001.

Submission:

Labcorp Genetics (formerly Invitae), Labcorp
Classification: Uncertain significance for ChÃ©diak-Higashi syndrome. Last evaluated: 2018-04-06. Review status: criteria provided, single submitter. Criteria: Invitae Variant Classification Sherloc (09022015). Collection method: clinical testing. Allele origin: germline.
Comment: This sequence change replaces valine with methionine at codon 976 of the LYST protein (p.Val976Met). The valine residue is moderately conserved and there is a small physicochemical difference between valine and methionine. This variant is not present in population databases (ExAC no frequency). This variant has not been reported in the literature in individuals with LYST-related disease. Algorithms developed to predict the effect of missense changes on protein structure and function do not agree on the potential impact of this missense change (SIFT: "Tolerated"; PolyPhen-2: "Possibly Damaging"; Align-GVGD: "Class C0"). In summary, the available evidence is currently insufficient to determine the role of this variant in disease. Therefore, it has been classified as a Variant of Uncertain Significance.